The following is an entry in ClinVar:

ClinVar aggregate classification (germline): Likely benign. Review status: criteria provided, multiple submitters, no conflicts (2 of 4 stars). 2 submissions from 2 submitters: Likely benign (2). Last evaluated 2023-04-01.

Allele frequency attached by ClinVar (database versions not stated): gnomAD exomes below 0.00001; gnomAD 0.00001; TOPMed 0.00001; ExAC 0.00002.
gnomAD v4.1: 9 of 1,613,956 alleles (0.00056%); highest among the groups gnomAD compares: Non-Finnish European, 0.00017%; no homozygotes.

Submissions (2):

CeGaT Center for Human Genetics Tuebingen
Classification: Likely benign. Last evaluated: 2023-04-01. Review status: criteria provided, single submitter. Criteria: CeGaT Center For Human Genetics Tuebingen Variant Classification Criteria Version 2. Collection method: clinical testing. Allele origin: germline. Affected: yes. Observed: 1 variant allele.
Comment: MNDA: BP4, BP7

Ambry Genetics
Classification: Likely benign. Last evaluated: 2022-06-11. Review status: criteria provided, single submitter. Criteria: Ambry Variant Classification Scheme 2023. Collection method: clinical testing. Allele origin: germline.

NM_002432.3(MNDA):c.1056G>T (p.Gly352=)

Gene: MNDA (myeloid cell nuclear differentiation antigen; plus strand). Cytogenetic location: 1q23.1.
Variant type: single nucleotide variant.
Coding change: c.1056G>T on transcript NM_002432.3 (MANE Select); coding-DNA position 1056, G replaced by T.
Protein change: p.Gly352=; no amino-acid change (glycine 352 retained).
Molecular consequence: synonymous variant.
Genome position (GRCh38, 1-based): chr1:158,847,796, G>T. VCF-style: chr1-158847796-G-T. GRCh37 (hg19) VCF-style: chr1-158817586-G-T.
Identifiers: ClinVar variation 1778666 (VCV001778666.26), dbSNP rs199830311, ClinGen allele CA1185784.
Genomic context (GRCh38, chr1:158,847,796, plus strand): 5'-ACACAAGAAGAACACAATTTATGAAATACAGGATAATACAGGATCCATGGATGTAGTGGG[G>T]AGTGGAAAATGGCACAATATCAAGTGTGAGAAAGGAGATAAACTTCGACTCTTCTGCCTT-3'
Protein context (NP_002423.1, residues 342-362): QDNTGSMDVV[Gly352=]SGKWHNIKCE